The following is an entry in ClinVar:

NM_000393.5(COL5A2):c.*46C>A

Gene: COL5A2 (collagen type V alpha 2 chain; minus strand). Cytogenetic location: 2q32.2.
Variant type: single nucleotide variant.
Coding change: c.*46C>A on transcript NM_000393.5 (MANE Select); 46 bases downstream of the stop codon, C replaced by A.
Molecular consequence: 3 prime UTR variant.
Genome position (GRCh38, 1-based): chr2:189,034,024, G>T on the plus strand (C>A on the coding strand, the complement: COL5A2 is on the minus strand). VCF-style: chr2-189034024-G-T. GRCh37 (hg19) VCF-style: chr2-189898750-G-T.
Identifiers: ClinVar variation 333129 (VCV000333129.9), dbSNP rs112739705, ClinGen allele CA2021760.

ClinVar aggregate classification (germline): Benign/Likely benign. Review status: criteria provided, multiple submitters, no conflicts (2 of 4 stars). 3 submissions from 3 submitters: Benign (1); Likely benign (2). Last evaluated 2018-06-26.

Conditions:
Ehlers-Danlos syndrome, classic type, 2 (EDSCL2). Also called: Ehlers-Danlos syndrome, type 2; Ehlers-Danlos syndrome type 2 (formerly); Ehlers-Danlos Syndrome, Classic Type, COL5A2-Related. Identifiers: Orphanet 287, Orphanet 90318, MedGen C0268336, MONDO:0019568, OMIM 130010.

Allele frequency attached by ClinVar (database versions not stated): 1000 Genomes Project 0.01158; gnomAD 0.01217; ESP Exome Variant Server 0.01292; 1000 Genomes Project 30x 0.01218; TOPMed 0.01361.
gnomAD v4.1: 4,176 of 1,612,902 alleles (0.26%); highest among the groups gnomAD compares: African/African-American, 4.3%; 88 homozygotes.

Submissions (3):

GeneDx
Classification: Likely benign. Last evaluated: 2018-06-26. Review status: criteria provided, single submitter. Criteria: GeneDx Variant Classification Process June 2021. Collection method: clinical testing. Allele origin: germline. Affected: yes.

Illumina Laboratory Services, Illumina
Classification: Benign for Ehlers-Danlos syndrome, classic type, 2. Last evaluated: 2018-01-13. Review status: criteria provided, single submitter. Criteria: ICSL Variant Classification Criteria 13 December 2019. Collection method: clinical testing. Allele origin: germline.
Comment: This variant was observed in the ICSL laboratory as part of a predisposition screen in an ostensibly healthy population. It had not been previously curated by ICSL or reported in the Human Gene Mutation Database (HGMD: prior to June 1st, 2018), and was therefore a candidate for classification through an automated scoring system. Utilizing variant allele frequency, disease prevalence and penetrance estimates, and inheritance mode, an automated score was calculated to assess if this variant is too frequent to cause the disease. Based on the score and internal cut-off values, a variant classified as benign is not then subjected to further curation. The score for this variant resulted in a classification of benign for this disease.

Breakthrough Genomics
Classification: Likely benign. Review status: criteria provided, single submitter. Criteria: ACMG Guidelines, 2015. Collection method: not provided. Allele origin: germline. Inheritance: Autosomal dominant inheritance. Affected: yes.